The following is an entry in ClinVar:

NM_005198.5(CHKB):c.1129C>G (p.Arg377Gly)

Genes: CHKB-CPT1B (CHKB-CPT1B readthrough (NMD candidate); minus strand), CHKB (choline kinase beta; minus strand). Cytogenetic location: 22q13.33.
Variant type: single nucleotide variant.
Coding change: c.1129C>G on transcript NM_005198.5 (MANE Select); coding-DNA position 1129, C replaced by G.
Protein change: p.Arg377Gly; replaces arginine 377 with glycine.
Molecular consequence: missense variant. On other transcripts: non-coding transcript variant (1).
Genome position (GRCh38, 1-based): chr22:50,579,240, G>C on the plus strand (C>G on the coding strand, the complement: CHKB is on the minus strand). VCF-style: chr22-50579240-G-C. GRCh37 (hg19) VCF-style: chr22-51017669-G-C.
Other names: short protein forms R377G.
Identifiers: ClinVar variation 1355024 (VCV001355024.6), dbSNP rs766848672, ClinGen allele CA412194396.

ClinVar aggregate classification (germline): Uncertain significance (1 of 4 stars; one submission).

Conditions:
Megaconial type congenital muscular dystrophy (MDCMC). Also called: CHKB-Related Muscular Dystrophy; CHKB-Related Muscle Diseases; MUSCULAR DYSTROPHY, CONGENITAL, WITH MITOCHONDRIAL STRUCTURAL ABNORMALITIES. Identifiers: Orphanet 280671, MedGen C1865233, MONDO:0011246, OMIM 602541.

gnomAD v4.1: 1 of 1,613,772 alleles (0.000062%); highest among the groups gnomAD compares: South Asian, 0.0011%; no homozygotes.

Submission:

Labcorp Genetics (formerly Invitae), Labcorp
Classification: Uncertain significance for Megaconial type congenital muscular dystrophy. Last evaluated: 2021-09-05. Review status: criteria provided, single submitter. Criteria: Invitae Variant Classification Sherloc (09022015). Collection method: clinical testing. Allele origin: germline.
Comment: This sequence change replaces arginine with glycine at codon 377 of the CHKB protein (p.Arg377Gly). The arginine residue is moderately conserved and there is a moderate physicochemical difference between arginine and glycine. In summary, the available evidence is currently insufficient to determine the role of this variant in disease. Therefore, it has been classified as a Variant of Uncertain Significance. Algorithms developed to predict the effect of missense changes on protein structure and function are either unavailable or do not agree on the potential impact of this missense change (SIFT: "Deleterious"; PolyPhen-2: "Probably Damaging"; Align-GVGD: "Class C0"). This variant has not been reported in the literature in individuals affected with CHKB-related conditions. This variant is not present in population databases (ExAC no frequency).